The following is an entry in ClinVar:

NM_152513.4(MEI1):c.3346-7del

Gene: MEI1 (meiotic double-stranded break formation protein 1; plus strand). Cytogenetic location: 22q13.2.
Variant type: Deletion.
Coding change: c.3346-7del on transcript NM_152513.4 (MANE Select); 7 bases into the intron before coding-DNA position 3346, one base deleted (T; older notation c.3346-7delT).
Molecular consequence: intron variant.
Genome position (GRCh38, 1-based): chr22:41,793,822, T deleted; the last of 16 consecutive T bases (chr22:41,793,807-41,793,822); deleting any one gives the same sequence. VCF-style (leftmost placement, unchanged base first): chr22-41793806-AT-A. GRCh37 (hg19) VCF-style: chr22-42189810-AT-A.
Identifiers: ClinVar variation 3055293 (VCV003055293.2), dbSNP rs113484758, ClinGen allele CA10260831.

ClinVar aggregate classification (germline): Benign (0 of 4 stars; one submission).

Conditions:
MEI1-related disorder. Also called: MEI1-related condition.

Submission:

PreventionGenetics, part of Exact Sciences
Classification: Benign for MEI1-related condition. Last evaluated: 2019-02-21. Review status: no assertion criteria provided. Collection method: clinical testing. Allele origin: germline.
Comment: This variant is classified as benign based on ACMG/AMP sequence variant interpretation guidelines (Richards et al. 2015 PMID: 25741868, with internal and published modifications).